The following is an entry in ClinVar:

NM_014141.6(CNTNAP2):c.3382-2A>C

Gene: CNTNAP2 (contactin associated protein 2; plus strand). Cytogenetic location: 7q36.1.
Variant type: single nucleotide variant.
Coding change: c.3382-2A>C on transcript NM_014141.6 (MANE Select); the canonical splice acceptor site of the intron before coding-DNA position 3382, A replaced by C.
Molecular consequence: splice acceptor variant.
Genome position (GRCh38, 1-based): chr7:148,267,031, A>C. VCF-style: chr7-148267031-A-C. GRCh37 (hg19) VCF-style: chr7-147964123-A-C.
Identifiers: ClinVar variation 426876 (VCV000426876.10), dbSNP rs1085307838, ClinGen allele CA369928828.
Genomic context (GRCh38, chr7:148,267,031, plus strand): 5'-GATTTGGTTCCACACAGGGTAGAGACGTGCTTCTAAAAGTGTCTCTTGTTTTCCTCCTGC[A>C]GCTCGATCATTATCCTTCTGTGAGTTACCATCTGCCAAGTTCATCCGACACCCTCTTCAA-3'

ClinVar aggregate classification (germline): Likely pathogenic. Review status: criteria provided, multiple submitters, no conflicts (2 of 4 stars). 2 submissions from 2 submitters: Likely pathogenic (2). Last evaluated 2026-02-02.

Conditions:
Cortical dysplasia-focal epilepsy syndrome (PTHSL1). Also called: Pitt-Hopkins-like syndrome 1. Identifiers: Orphanet 163681, Orphanet 221150, MedGen C2750246, MONDO:0012400, OMIM 610042.

Submissions (2):

Labcorp Genetics (formerly Invitae), Labcorp
Classification: Likely pathogenic for Cortical dysplasia-focal epilepsy syndrome. Last evaluated: 2026-02-02. Review status: criteria provided, single submitter. Criteria: Invitae Variant Classification Sherloc (09022015). Collection method: clinical testing. Allele origin: germline.
Comment: This sequence change affects an acceptor splice site in intron 20 of the CNTNAP2 gene. It is expected to disrupt RNA splicing. Variants that disrupt the donor or acceptor splice site typically lead to a loss of protein function (PMID: 16199547), and loss-of-function variants in CNTNAP2 are known to be pathogenic (PMID: 19896112, 21827697, 25045150, 26843181, 27439707). This variant is not present in population databases (gnomAD no frequency). This variant has not been reported in the literature in individuals affected with CNTNAP2-related conditions. ClinVar contains an entry for this variant (Variation ID: 426876). Algorithms developed to predict the effect of sequence changes on RNA splicing suggest that this variant may disrupt the consensus splice site. In summary, the currently available evidence indicates that the variant is pathogenic, but additional data are needed to prove that conclusively. Therefore, this variant has been classified as Likely Pathogenic.

GeneDx
Classification: Likely pathogenic. Last evaluated: 2022-07-27. Review status: criteria provided, single submitter. Criteria: GeneDx Variant Classification Process June 2021. Collection method: clinical testing. Allele origin: germline. Affected: yes.
Comment: Canonical splice site variant predicted to result in a null allele in a gene for which loss of function is a known mechanism of disease; Not observed at significant frequency in large population cohorts (gnomAD); Has not been previously published as pathogenic or benign to our knowledge

Literature cited by the submitters: PubMed 16199547 (cited by Labcorp Genetics (formerly Invitae), Labcorp); PubMed 19896112 (cited by Labcorp Genetics (formerly Invitae), Labcorp); PubMed 21827697 (cited by Labcorp Genetics (formerly Invitae), Labcorp); PubMed 25045150 (cited by Labcorp Genetics (formerly Invitae), Labcorp); PubMed 26843181 (cited by Labcorp Genetics (formerly Invitae), Labcorp); PubMed 27439707 (cited by Labcorp Genetics (formerly Invitae), Labcorp).